The following is an entry in ClinVar:

NM_000075.4(CDK4):c.135_143dup (p.Gly46_Gly48dup)

Genes: CDK4 (cyclin dependent kinase 4; minus strand), LOC130008148 (ATAC-STARR-seq lymphoblastoid silent region 4588; plus strand). Cytogenetic location: 12q14.1.
Variant type: Duplication.
Coding change: c.135_143dup on transcript NM_000075.4 (MANE Select); coding-DNA positions 135 to 143, 9 bases duplicated (TGGAGGAGG; older notation c.135_143dupTGGAGGAGG).
Protein change: p.Gly46_Gly48dup.
Molecular consequence: inframe insertion.
Genome position (GRCh38, 1-based): chr12:57,751,575-57,751,583, CCTCCTCCA duplicated on the plus strand (TGGAGGAGG on the coding strand, the reverse complement: CDK4 is on the minus strand); duplicating any 9 consecutive bases within chr12:57,751,575-57,751,591 gives the same sequence; the c. name uses the placement nearest the transcript's 3' end. VCF-style (leftmost placement, unchanged base first): chr12-57751574-G-GCCTCCTCCA. GRCh37 (hg19) VCF-style: chr12-58145357-G-GCCTCCTCCA.
Other names: c.135_143dupTGGAGGAGG (NM_000075.3).
Identifiers: ClinVar variation 1501643 (VCV001501643.9), dbSNP rs1595111045, ClinGen allele CA2573148912.
Genomic context (GRCh38, chr12:57,751,574, plus strand): 5'-ATGCTCAAAAGCCTCCAGTCGCCTCAGTAAAGCCACCTCACGAACTGTGCTGATGGGAAG[G>GCCTCCTCCA]CCTCCTCCACCTCCTCCTCCATTGGGGACTCTCACACTCTTGAGGGCCACAAAGTGGCCA-3'

ClinVar aggregate classification (germline): Uncertain significance. Review status: criteria provided, multiple submitters, no conflicts (2 of 4 stars). 2 submissions from 2 submitters: Uncertain significance (2). Last evaluated 2022-11-18.

Conditions:
Familial melanoma. Also called: Hereditary melanoma; Hereditary cutaneous melanoma. Identifiers: Orphanet 618, MedGen C1512419, MONDO:0018961.
Hereditary cancer-predisposing syndrome. Also called: Hereditary neoplastic syndrome; Tumor predisposition; Neoplastic Syndromes, Hereditary; Hereditary Cancer Syndrome. Identifiers: Orphanet 140162, MedGen C0027672, MeSH D009386, MONDO:0015356.

Submissions (2):

Ambry Genetics
Classification: Uncertain significance for Hereditary cancer-predisposing syndrome. Last evaluated: 2022-11-18. Review status: criteria provided, single submitter. Criteria: Ambry Variant Classification Scheme 2023. Collection method: clinical testing. Allele origin: germline.
Comment: The c.135_143dupTGGAGGAGG variant (also known as p.G46_G48dup), located in coding exon 1 of the CDK4 gene, results from an in-frame duplication of TGGAGGAGG at nucleotide positions 135 to 143. This results in the duplication of 3 extra residues (GGG) between codons 46 and 48. This amino acid region is not well conserved in available vertebrate species. In addition, the in silico prediction for this alteration is inconclusive (Choi Y et al. PLoS ONE. 2012; 7(10):e46688). Since supporting evidence is limited at this time, the clinical significance of this alteration remains unclear.

Labcorp Genetics (formerly Invitae), Labcorp
Classification: Uncertain significance for Familial melanoma. Last evaluated: 2021-01-10. Review status: criteria provided, single submitter. Criteria: Invitae Variant Classification Sherloc (09022015). Collection method: clinical testing. Allele origin: germline.
Comment: In summary, the available evidence is currently insufficient to determine the role of this variant in disease. Therefore, it has been classified as a Variant of Uncertain Significance. Experimental studies and prediction algorithms are not available or were not evaluated, and the functional significance of this variant is currently unknown. This variant has not been reported in the literature in individuals with CDK4-related conditions. This variant is not present in population databases (ExAC no frequency). This variant, c.135_143dup, results in the insertion of 3 amino acid(s) to the CDK4 protein (p.Gly46_Gly48dup), but otherwise preserves the integrity of the reading frame.